The following is an entry in ClinVar:

NM_000827.4(GRIA1):c.2656T>C (p.Ser886Pro)

Gene: GRIA1 (glutamate ionotropic receptor AMPA type subunit 1; plus strand). Cytogenetic location: 5q33.2.
Variant type: single nucleotide variant.
Coding change: c.2656T>C on transcript NM_000827.4 (MANE Select); coding-DNA position 2656, T replaced by C.
Protein change: p.Ser886Pro; replaces serine 886 with proline.
Molecular consequence: missense variant. On other transcripts: non-coding transcript variant (2).
Genome position (GRCh38, 1-based): chr5:153,811,160, T>C. VCF-style: chr5-153811160-T-C. GRCh37 (hg19) VCF-style: chr5-153190720-T-C.
Other names: c.2656T>C, p.Ser886Pro (NM_001114183.2); c.2416T>C, p.Ser806Pro (NM_001258019.2); c.2371T>C, p.Ser791Pro (NM_001258020.2); c.2686T>C, p.Ser896Pro (NM_001258021.2, NM_001258022.2); c.2449T>C, p.Ser817Pro (NM_001258023.1, NM_001364167.2); c.2488T>C, p.Ser830Pro (NM_001364165.2); c.2683T>C, p.Ser895Pro (NM_001364166.2); c.2656T>C (NM_000827.3); short protein forms S791P, S806P, S817P, S830P, S886P, S895P, S896P.
Identifiers: ClinVar variation 3373310 (VCV003373310.2).

ClinVar aggregate classification (germline): Uncertain significance. Review status: criteria provided, multiple submitters, no conflicts (2 of 4 stars). 2 submissions from 2 submitters: Uncertain significance (2). Last evaluated 2025-05-23.

Conditions:
Inborn genetic diseases. Identifiers: MedGen C0950123, MeSH D030342.

Submissions (2):

Ambry Genetics
Classification: Uncertain significance for Inborn genetic diseases. Last evaluated: 2025-05-23. Review status: criteria provided, single submitter. Criteria: Ambry Variant Classification Scheme 2023. Collection method: clinical testing. Allele origin: germline.

GeneDx
Classification: Uncertain significance. Last evaluated: 2024-05-01. Review status: criteria provided, single submitter. Criteria: GeneDx Variant Classification Process June 2021. Collection method: clinical testing. Allele origin: germline. Affected: yes.
Comment: Not observed at significant frequency in large population cohorts (gnomAD); In silico analysis indicates that this missense variant does not alter protein structure/function; Has not been previously published as pathogenic or benign to our knowledge